The following is an entry in ClinVar:

NM_052844.4(DYNC2I2):c.1012A>G (p.Thr338Ala)

Genes: DYNC2I2 (dynein 2 intermediate chain 2; minus strand), LOC126860772 (CDK7 strongly-dependent group 2 enhancer GRCh37_chr9:131396972-131398171; plus strand). Cytogenetic location: 9q34.11.
Variant type: single nucleotide variant.
Coding change: c.1012A>G on transcript NM_052844.4 (MANE Select); coding-DNA position 1012, A replaced by G.
Protein change: p.Thr338Ala; replaces threonine 338 with alanine.
Molecular consequence: missense variant.
Genome position (GRCh38, 1-based): chr9:128,634,891, T>C on the plus strand (A>G on the coding strand, the complement: DYNC2I2 is on the minus strand). VCF-style: chr9-128634891-T-C. GRCh37 (hg19) VCF-style: chr9-131397170-T-C.
Other names: short protein forms T338A.
Identifiers: ClinVar variation 3602861 (VCV003602861.3).

ClinVar aggregate classification (germline): Uncertain significance. Review status: criteria provided, multiple submitters, no conflicts (2 of 4 stars). 2 submissions from 2 submitters: Uncertain significance (2). Last evaluated 2024-08-09.

Conditions:
Short-rib thoracic dysplasia 11 with or without polydactyly (SRTD11). Also called: SHORT-RIB THORACIC DYSPLASIA 11 WITHOUT POLYDACTYLY. Identifiers: Orphanet 474, Orphanet 93271, MedGen C3810200, MONDO:0014287, OMIM 615633.

gnomAD v4.1: 1 of 1,613,090 alleles (0.000062%); highest among the groups gnomAD compares: Non-Finnish European, 0.000085%; no homozygotes.

Submissions (2):

GeneDx
Classification: Uncertain significance. Last evaluated: 2024-08-09. Review status: criteria provided, single submitter. Criteria: GeneDx Variant Classification Process June 2021. Collection method: clinical testing. Allele origin: germline. Affected: yes.
Comment: Not observed at significant frequency in large population cohorts (gnomAD); In silico analysis supports that this missense variant has a deleterious effect on protein structure/function; Has not been previously published as pathogenic or benign to our knowledge

Juno Genomics, Hangzhou Juno Genomics, Inc
Classification: Uncertain significance for Short-rib thoracic dysplasia 11 with or without polydactyly. Review status: criteria provided, single submitter. Criteria: ACMG Guidelines, 2015. Collection method: clinical testing. Allele origin: germline.
Comment: Absent from controls (or at extremely low frequency if recessive) in Genome Aggregation Database.;Multiple lines of computational evidence suggest no impact on gene or gene product.